The following is an entry in ClinVar:

ClinVar aggregate classification (germline): Uncertain significance (1 of 4 stars; one submission).

Allele frequency attached by ClinVar (database versions not stated): gnomAD 0.00001; TOPMed 0.00001.
gnomAD v4.1: 28 of 1,613,818 alleles (0.0017%); highest among the groups gnomAD compares: South Asian, 0.0022%; no homozygotes.

Submission:

Labcorp Genetics (formerly Invitae), Labcorp
Classification: Uncertain significance. Last evaluated: 2023-06-13. Review status: criteria provided, single submitter. Criteria: Invitae Variant Classification Sherloc (09022015). Collection method: clinical testing. Allele origin: germline.
Comment: In summary, the available evidence is currently insufficient to determine the role of this variant in disease. Therefore, it has been classified as a Variant of Uncertain Significance. Advanced modeling of protein sequence and biophysical properties (such as structural, functional, and spatial information, amino acid conservation, physicochemical variation, residue mobility, and thermodynamic stability) has been performed at Invitae for this missense variant, however the output from this modeling did not meet the statistical confidence thresholds required to predict the impact of this variant on TSPEAR protein function. This missense change has been observed in individual(s) with clinical features of ectodermal dysplasia (Invitae). In at least one individual the data is consistent with being in trans (on the opposite chromosome) from a pathogenic variant. ClinVar contains an entry for this variant (Variation ID: 1949980). This sequence change replaces glycine, which is neutral and non-polar, with arginine, which is basic and polar, at codon 608 of the TSPEAR protein (p.Gly608Arg). This variant is present in population databases (no rsID available, gnomAD 0.003%).

NM_144991.3(TSPEAR):c.1822G>A (p.Gly608Arg)

Gene: TSPEAR (thrombospondin type laminin G domain and EAR repeats; minus strand). Cytogenetic location: 21q22.3.
Variant type: single nucleotide variant.
Coding change: c.1822G>A on transcript NM_144991.3 (MANE Select); coding-DNA position 1822, G replaced by A.
Protein change: p.Gly608Arg; replaces glycine 608 with arginine.
Molecular consequence: missense variant.
Genome position (GRCh38, 1-based): chr21:44,504,814, C>T on the plus strand (G>A on the coding strand, the complement: TSPEAR is on the minus strand). VCF-style: chr21-44504814-C-T. GRCh37 (hg19) VCF-style: chr21-45924697-C-T.
Other names: c.1618G>A, p.Gly540Arg (NM_001272037.2); short protein forms G540R, G608R.
Identifiers: ClinVar variation 1949980 (VCV001949980.5), dbSNP rs1479814077, ClinGen allele CA410429924.